The following is an entry in ClinVar:

ClinVar aggregate classification (germline): Uncertain significance (1 of 4 stars; one submission).

Conditions:
Thrombus. Identifiers: MedGen C0087086, MeSH D013927.

Allele frequency attached by ClinVar (database versions not stated): ESP Exome Variant Server 0.00008.
gnomAD v4.1: 13 of 1,614,124 alleles (0.00081%); highest among the groups gnomAD compares: African/African-American, 0.016%; no homozygotes.

Submission:

ISTH-SSC Genomics in Thrombosis and Hemostasis, KU Leuven, Center for Molecular and Vascular Biology
Classification: Uncertain significance for Thrombus. Review status: criteria provided, single submitter. Criteria: ACMG Guidelines, 2015. Collection method: clinical testing. Allele origin: germline. Affected: yes. Observed: 1 heterozygote.
Comment: Submitted to the GoldVariant database by Kathleen Freson, Center for Molecular and Vascular Biology

NM_000185.4(SERPIND1):c.1338C>A (p.Asn446Lys)

Genes: PI4KA (phosphatidylinositol 4-kinase alpha; minus strand), SERPIND1 (serpin family D member 1; plus strand). Cytogenetic location: 22q11.21.
Variant type: single nucleotide variant.
Coding change: c.1338C>A on transcript NM_000185.4 (MANE Select); coding-DNA position 1338, C replaced by A.
Protein change: p.Asn446Lys; replaces asparagine 446 with lysine.
Molecular consequence: missense variant. On other transcripts: intron variant (3).
Genome position (GRCh38, 1-based): chr22:20,786,904, C>A. VCF-style: chr22-20786904-C-A. GRCh37 (hg19) VCF-style: chr22-21141192-C-A.
Other names: c.2262+6289G>T (NM_001362863.2); c.2328+6289G>T (NM_001362862.2, NM_058004.4); short protein forms N446K.
Identifiers: ClinVar variation 2572128 (VCV002572128.1), dbSNP rs373125956, ClinGen allele CA10116115.